The following is an entry in ClinVar:

ClinVar aggregate classification (germline): Uncertain significance (1 of 4 stars; one submission).

Conditions:
Hereditary cancer-predisposing syndrome. Also called: Tumor predisposition; Neoplastic Syndromes, Hereditary; Hereditary Cancer Syndrome; Hereditary neoplastic syndrome. Identifiers: Orphanet 140162, MedGen C0027672, MeSH D009386, MONDO:0015356.

Submission:

Ambry Genetics
Classification: Uncertain significance for Hereditary cancer-predisposing syndrome. Last evaluated: 2025-01-20. Review status: criteria provided, single submitter. Criteria: Ambry Variant Classification Scheme 2023. Collection method: clinical testing. Allele origin: germline.
Comment: The p.I979L variant (also known as c.2935A>C), located in coding exon 12 of the MET gene, results from an A to C substitution at nucleotide position 2935. The isoleucine at codon 979 is replaced by leucine, an amino acid with highly similar properties. This amino acid position is conserved. In addition, this alteration is predicted to be tolerated by in silico analysis. Based on the available evidence, the clinical significance of this variant remains unclear.

NM_000245.4(MET):c.2881A>C (p.Ile961Leu)

Gene: MET (MET proto-oncogene, receptor tyrosine kinase; plus strand). Cytogenetic location: 7q31.2.
Variant type: single nucleotide variant.
Coding change: c.2881A>C on transcript NM_000245.4 (MANE Select); coding-DNA position 2881, A replaced by C.
Protein change: p.Ile961Leu; replaces isoleucine 961 with leucine.
Molecular consequence: missense variant.
Genome position (GRCh38, 1-based): chr7:116,771,648, A>C. VCF-style: chr7-116771648-A-C. GRCh37 (hg19) VCF-style: chr7-116411702-A-C.
Other names: c.2935A>C, p.Ile979Leu (NM_001127500.3); c.1591A>C, p.Ile531Leu (NM_001324402.2); short protein forms I531L, I979L, I961L.
Identifiers: ClinVar variation 3872333 (VCV003872333.1).